The following is an entry in ClinVar:

ClinVar aggregate classification (germline): Conflicting classifications of pathogenicity. Review status: criteria provided, conflicting classifications (1 of 4 stars). 2 submissions from 2 submitters: Uncertain significance (1); Benign (1). Last evaluated 2026-05-23.

Conditions:
Inborn genetic diseases. Identifiers: MedGen C0950123, MeSH D030342.

Allele frequency attached by ClinVar (database versions not stated): TOPMed 0.00002; gnomAD 0.00004 and 0.00003; ExAC 0.00002; gnomAD exomes 0.00003.
gnomAD v4.1: 67 of 1,558,082 alleles (0.0043%); highest among the groups gnomAD compares: Non-Finnish European, 0.0053%; no homozygotes.

Submissions (2):

Ambry Genetics
Classification: Uncertain significance for Inborn genetic diseases. Last evaluated: 2026-05-23. Review status: criteria provided, single submitter. Criteria: Ambry Variant Classification Scheme 2023. Collection method: clinical testing. Allele origin: germline.
Comment: The c.7804A>G (p.I2602V) alteration is located in exon 50 (coding exon 50) of the PIEZO2 gene. This alteration results from a A to G substitution at nucleotide position 7804, causing the isoleucine (I) at amino acid position 2602 to be replaced by a valine (V). Based on data from gnomAD, the G allele has an overall frequency of 0.003% (7/259024) total alleles studied. The highest observed frequency was 0.005% (6/123334) of European (non-Finnish) alleles. Based on insufficient or conflicting evidence, the clinical significance of this alteration remains unclear.

Labcorp Genetics (formerly Invitae), Labcorp
Classification: Benign. Last evaluated: 2017-10-16. Review status: criteria provided, single submitter. Criteria: Invitae Variant Classification Sherloc (09022015). Collection method: clinical testing. Allele origin: germline.

NM_001378183.1(PIEZO2):c.8143A>G (p.Ile2715Val)

Gene: PIEZO2 (piezo type mechanosensitive ion channel component 2; minus strand). Cytogenetic location: 18p11.22.
Variant type: single nucleotide variant.
Coding change: c.8143A>G on transcript NM_001378183.1 (MANE Select); coding-DNA position 8143, A replaced by G.
Protein change: p.Ile2715Val; replaces isoleucine 2715 with valine.
Molecular consequence: missense variant.
Genome position (GRCh38, 1-based): chr18:10,675,227, T>C on the plus strand (A>G on the coding strand, the complement: PIEZO2 is on the minus strand). VCF-style: chr18-10675227-T-C. GRCh37 (hg19) VCF-style: chr18-10675224-T-C.
Other names: c.7804A>G (NM_022068.2); c.7804A>G, p.Ile2602Val (NM_022068.4); short protein forms I2602V, I2715V.
Identifiers: ClinVar variation 722864 (VCV000722864.4), dbSNP rs781648426, ClinGen allele CA8891796.